The following is an entry in ClinVar:

ClinVar aggregate classification (germline): Uncertain significance (1 of 4 stars; one submission).

Submission:

Ambry Genetics
Classification: Uncertain significance. Last evaluated: 2024-12-03. Review status: criteria provided, single submitter. Criteria: Ambry Variant Classification Scheme 2023. Collection method: clinical testing. Allele origin: germline.
Comment: The p.A132V variant (also known as c.395C>T), located in coding exon 1 of the MLH3 gene, results from a C to T substitution at nucleotide position 395. The alanine at codon 132 is replaced by valine, an amino acid with similar properties. This amino acid position is conserved. In addition, this alteration is predicted to be tolerated by in silico analysis. Since supporting evidence is limited at this time, the clinical significance of this alteration remains unclear.

NM_001040108.2(MLH3):c.395C>T (p.Ala132Val)

Gene: MLH3 (mutL homolog 3; minus strand). Cytogenetic location: 14q24.3.
Variant type: single nucleotide variant.
Coding change: c.395C>T on transcript NM_001040108.2 (MANE Select); coding-DNA position 395, C replaced by T.
Protein change: p.Ala132Val; replaces alanine 132 with valine.
Molecular consequence: missense variant.
Genome position (GRCh38, 1-based): chr14:75,049,261, G>A on the plus strand (C>T on the coding strand, the complement: MLH3 is on the minus strand). VCF-style: chr14-75049261-G-A. GRCh37 (hg19) VCF-style: chr14-75515964-G-A.
Other names: c.395C>T, p.Ala132Val (NM_014381.3); short protein forms A132V.
Identifiers: ClinVar variation 1736501 (VCV001736501.3), dbSNP rs2503329607, ClinGen allele CA390450592.
Genomic context (GRCh38, chr14:75,049,261, plus strand): 5'-AATAGGTTATACACTGTTACAGTAGTCCCAGCGCTTGCTCTAGTCACATCAGCTTCACAA[G>A]CTTTCAGGGCTTTTCCACTCTGAAACAGTTTCACAAAAGTTTTCATTGTCCTGTTTTTCT-3'
Protein context (NP_001035197.1, residues 122-142): KLFQSGKALK[Ala132Val]CEADVTRASA